The following is an entry in ClinVar:

NM_198253.3(TERT):c.585G>C (p.Arg195Ser)

Gene: TERT (telomerase reverse transcriptase; minus strand). Cytogenetic location: 5p15.33.
Variant type: single nucleotide variant.
Coding change: c.585G>C on transcript NM_198253.3 (MANE Select); coding-DNA position 585, G replaced by C.
Protein change: p.Arg195Ser; replaces arginine 195 with serine.
Molecular consequence: missense variant. On other transcripts: non-coding transcript variant (2).
Genome position (GRCh38, 1-based): chr5:1,294,301, C>G on the plus strand (G>C on the coding strand, the complement: TERT is on the minus strand). VCF-style: chr5-1294301-C-G. GRCh37 (hg19) VCF-style: chr5-1294416-C-G.
Other names: c.585G>C, p.Arg195Ser (NM_001193376.3); short protein forms R195S.
Identifiers: ClinVar variation 4827644 (VCV004827644.1).

ClinVar aggregate classification (germline): Uncertain significance (1 of 4 stars; one submission).

Conditions:
Dyskeratosis congenita. Identifiers: Orphanet 1775, MedGen C0265965, MONDO:0015780.

Submission:

Ambry Genetics
Classification: Uncertain significance for Dyskeratosis congenita. Last evaluated: 2026-03-04. Review status: criteria provided, single submitter. Criteria: Ambry Variant Classification Scheme 2023. Collection method: clinical testing. Allele origin: germline.
Comment: The p.R195S variant (also known as c.585G>C), located in coding exon 2 of the TERT gene, results from a G to C substitution at nucleotide position 585. The arginine at codon 195 is replaced by serine, an amino acid with dissimilar properties. This amino acid position is conserved. In addition, this alteration is predicted to be tolerated by in silico analysis. Based on the available evidence, the clinical significance of this variant remains unclear.